The following is an entry in ClinVar:

NC_000001.10:g.(?_100316599)_(100488032_?)dup

Genes: AGL (amylo-alpha-1, 6-glucosidase, 4-alpha-glucanotransferase; plus strand), SLC35A3 (solute carrier family 35 member A3; plus strand). Cytogenetic location: 1p21.2.
Variant type: Duplication.
Identifiers: ClinVar variation 2425785 (VCV002425785.4).

ClinVar aggregate classification (germline): Uncertain significance (1 of 4 stars; one submission).

Conditions:
Autism spectrum disorder - epilepsy - arthrogryposis syndrome (AMRS). Identifiers: Orphanet 370943, MedGen C3809910, MONDO:0014248, OMIM 615553.

Submission:

Labcorp Genetics (formerly Invitae), Labcorp
Classification: Uncertain significance for Autism spectrum disorder - epilepsy - arthrogryposis syndrome. Last evaluated: 2020-12-01. Review status: criteria provided, single submitter. Criteria: Invitae Variant Classification Sherloc (09022015). Collection method: clinical testing. Allele origin: germline.
Comment: A copy number gain of the genomic region encompassing the full coding sequence of the SLC35A3 gene has been identified. The boundaries of this event are unknown as they extend beyond the assayed region for this gene and therefore may encompass additional genes. As the precise location of this event is unknown, it may be in tandem or it may be located elsewhere in the genome. This variant has not been reported in the literature in individuals with SLC35A3-related conditions. In summary, the available evidence is currently insufficient to determine the role of this variant in disease. Therefore, it has been classified as a Variant of Uncertain Significance.